The following is an entry in ClinVar:

NM_000179.3(MSH6):c.1536G>A (p.Glu512=)

Gene: MSH6 (mutS homolog 6; plus strand). Cytogenetic location: 2p16.3.
Variant type: single nucleotide variant.
Coding change: c.1536G>A on transcript NM_000179.3 (MANE Select); coding-DNA position 1536, G replaced by A.
Protein change: p.Glu512=; no amino-acid change (glutamic acid 512 retained).
Molecular consequence: synonymous variant. On other transcripts: non-coding transcript variant (4), intron variant (1).
Genome position (GRCh38, 1-based): chr2:47,799,519, G>A. VCF-style: chr2-47799519-G-A. GRCh37 (hg19) VCF-style: chr2-48026658-G-A.
Other names: c.1146G>A, p.Glu382= (NM_001281492.2); c.630G>A, p.Glu210= (NM_001281493.2, NM_001281494.2, NM_001406811.1 and 6 more transcripts); c.1632G>A, p.Glu544= (NM_001406795.1, NM_001406802.1); c.1536G>A, p.Glu512= (NM_001406796.1, NM_001406798.1, NM_001406800.1 and 4 more transcripts); c.1239G>A, p.Glu413= (NM_001406797.1, NM_001406801.1, NM_001406805.1 and 10 more transcripts); c.1011G>A, p.Glu337= (NM_001406799.1, NM_001406806.1, NM_001406807.1); c.1458G>A, p.Glu486= (NM_001406804.1); c.1542G>A, p.Glu514= (NM_001406813.1); and 2 more.
Identifiers: ClinVar variation 3072323 (VCV003072323.2), dbSNP rs2104350171, ClinGen allele CA426121214.

ClinVar aggregate classification (germline): Benign/Likely benign. Review status: criteria provided, multiple submitters, no conflicts (2 of 4 stars). 2 submissions from 2 submitters: Benign (1); Likely benign (1). Last evaluated 2024-12-26.

Conditions:
Lynch syndrome 5 (LYNCH5). Also called: Colorectal cancer, hereditary nonpolyposis, type 5; Hereditary non-polyposis colorectal cancer, type 5. Identifiers: Orphanet 144, MedGen C1833477, MONDO:0013710, OMIM 614350. Disease mechanism: loss of function.
Lynch syndrome. Identifiers: Orphanet 144, MedGen C4552100, MONDO:0005835. Disease mechanism: loss of function.

Submissions (2):

Myriad Genetics, Inc.
Classification: Benign for Lynch syndrome 5. Last evaluated: 2024-12-26. Review status: criteria provided, single submitter. Criteria: Myriad Autosomal Dominant, Autosomal Recessive and X-Linked Classification Criteria (2023). Collection method: clinical testing. Allele origin: unknown.
Comment: This variant is considered benign. This variant is a silent/synonymous amino acid change and it is not expected to impact splicing.

All of Us Research Program, National Institutes of Health
Classification: Likely benign for Lynch syndrome. Last evaluated: 2023-07-10. Review status: criteria provided, single submitter. Criteria: ACMG Guidelines, 2015. Collection method: clinical testing. Allele origin: germline. Inheritance: Autosomal dominant inheritance. Observed: 1 variant allele, 1 heterozygote.
Comment: This study involves interpretation of variants in research participants for the purpose of population health screening. Participant phenotype was not available at the time of variant classification. Additional details can be found in publication PMID: 35346344, PMCID: PMC8962531